The following is an entry in ClinVar:

ClinVar aggregate classification (germline): Uncertain significance. Review status: criteria provided, multiple submitters, no conflicts (2 of 4 stars). 3 submissions from 2 submitters: Uncertain significance (3). Last evaluated 2022-10-17.

Conditions:
DNA ligase IV deficiency. Identifiers: Orphanet 99812, MedGen C1847827, MONDO:0011686, OMIM 606593.
Severe combined immunodeficiency due to DCLRE1C deficiency (RS-SCID). Also called: SCID, AUTOSOMAL RECESSIVE, T CELL-NEGATIVE, B CELL-NEGATIVE, NK CELL-POSITIVE, WITH SENSITIVITY TO IONIZING RADIATION. Identifiers: Orphanet 275, MedGen C1865371, MONDO:0011225, OMIM 602450.

Allele frequency attached by ClinVar (database versions not stated): ExAC 0.00007; gnomAD 0.00009 and 0.00007; TOPMed 0.00012; 1000 Genomes Project 0.00080; gnomAD exomes 0.00008 and 0.00010; 1000 Genomes Project 30x 0.00062.
gnomAD v4.1: 162 of 1,614,134 alleles (0.01%); highest among the groups gnomAD compares: Admixed American, 0.03%; no homozygotes.

Submissions (3):

Labcorp Genetics (formerly Invitae), Labcorp
Classification: Uncertain significance for DNA ligase IV deficiency. Last evaluated: 2022-10-17. Review status: criteria provided, single submitter. Criteria: Invitae Variant Classification Sherloc (09022015). Collection method: clinical testing. Allele origin: germline.
Comment: This sequence change replaces alanine, which is neutral and non-polar, with valine, which is neutral and non-polar, at codon 850 of the LIG4 protein (p.Ala850Val). This variant is present in population databases (rs188422094, gnomAD 0.02%). This variant has not been reported in the literature in individuals affected with LIG4-related conditions. ClinVar contains an entry for this variant (Variation ID: 310974). Advanced modeling of protein sequence and biophysical properties (such as structural, functional, and spatial information, amino acid conservation, physicochemical variation, residue mobility, and thermodynamic stability) has been performed at Invitae for this missense variant, however the output from this modeling did not meet the statistical confidence thresholds required to predict the impact of this variant on LIG4 protein function. In summary, the available evidence is currently insufficient to determine the role of this variant in disease. Therefore, it has been classified as a Variant of Uncertain Significance.

Illumina Laboratory Services, Illumina
Classification: Uncertain significance for DNA ligase IV deficiency. Last evaluated: 2018-01-13. Review status: criteria provided, single submitter. Criteria: ICSL Variant Classification Criteria 13 December 2019. Collection method: clinical testing. Allele origin: germline.

Illumina Laboratory Services, Illumina
Classification: Uncertain significance for Severe combined immunodeficiency due to DCLRE1C deficiency. Last evaluated: 2018-01-13. Review status: criteria provided, single submitter. Criteria: ICSL Variant Classification Criteria 13 December 2019. Collection method: clinical testing. Allele origin: germline.

NM_206937.2(LIG4):c.2549C>T (p.Ala850Val)

Gene: LIG4 (DNA ligase 4; minus strand). Cytogenetic location: 13q33.3.
Variant type: single nucleotide variant.
Coding change: c.2549C>T on transcript NM_206937.2 (MANE Select); coding-DNA position 2549, C replaced by T.
Protein change: p.Ala850Val; replaces alanine 850 with valine.
Molecular consequence: missense variant.
Genome position (GRCh38, 1-based): chr13:108,208,720, G>A on the plus strand (C>T on the coding strand, the complement: LIG4 is on the minus strand). VCF-style: chr13-108208720-G-A. GRCh37 (hg19) VCF-style: chr13-108861068-G-A.
Other names: c.2549C>T, p.Ala850Val (NM_001098268.2, NM_001352598.2, NM_001352599.2 and 6 more transcripts); c.2348C>T, p.Ala783Val (NM_001330595.2); c.2585C>T, p.Ala862Val (NM_001352604.2); short protein forms A850V, A862V, A783V.
Identifiers: ClinVar variation 310974 (VCV000310974.9), dbSNP rs188422094, ClinGen allele CA7043473.
Genomic context (GRCh38, chr13:108,208,720, plus strand): 5'-CTATGATCTTCCCCAATTATTACATGAGACACTCCCTCAGCTAAACAAGAAACTACTTTT[G>A]CTCCATGAAACCGAAGCTCCAAGGCTTTAATAGCTAACCTTGTCCCCTCATTTTTGGTAC-3'
Protein context (NP_996820.1, residues 840-860): IKALELRFHG[Ala850Val]KVVSCLAEGV